The following continues an entry in ClinVar:

NM_000256.3(MYBPC3):c.2686G>A (p.Val896Met)

Gene: MYBPC3. ClinVar aggregate classification (germline): Benign/Likely benign. Benign (13); Likely benign (8).

Submissions 19 to 27 of 27:

GeneDx
Classification: Benign. Last evaluated: 2015-03-03. Review status: criteria provided, single submitter. Criteria: GeneDx Variant Classification Process June 2021. Collection method: clinical testing. Allele origin: germline. Affected: yes.
Comment: This variant is associated with the following publications: (PMID: 27737317, 28798025, 27182706, 26332594, 26914223, 27153395, 25569433, 21310275, 25078086, 25637381, 10521296, 21472310, 12110947, 15010274, 25447171, 23299917, 22763267, 24888384, 24055113)

Biesecker Lab/Clinical Genomics Section, National Institutes of Health
Classification: Benign for Cardiomyopathy, hypertrophic. Last evaluated: 2013-06-24. Review status: criteria provided, single submitter. Criteria: Ng et al. (Circ Cardiovasc Genet. 2013). Collection method: research. Allele origin: unknown. Observed: 1 variant allele. Study: ClinSeq.
Comment: The study set was not selected for affection status in relation to any cancer. Pathogenicity categories were based on literature curation. See Pubmed ID:23861362 for details.

Medical sequencing

Breakthrough Genomics
Classification: Likely benign. Review status: criteria provided, single submitter. Criteria: ACMG Guidelines, 2015. Collection method: not provided. Allele origin: germline. Inheritance: Autosomal dominant inheritance. Affected: yes.

Cohesion Phenomics
Classification: Benign for Hypertrophic cardiomyopathy. Last evaluated: 2022-10-10. Review status: no assertion criteria provided. Criteria: ACMG Guidelines, 2015. Collection method: clinical testing. Allele origin: germline. Affected: yes. Not counted in ClinVar's aggregate classification.

PreventionGenetics, part of Exact Sciences
Classification: Likely benign for MYBPC3-related condition. Last evaluated: 2020-08-24. Review status: no assertion criteria provided. Collection method: clinical testing. Allele origin: germline. Not counted in ClinVar's aggregate classification.
Comment: This variant is classified as likely benign based on ACMG/AMP sequence variant interpretation guidelines (Richards et al. 2015 PMID: 25741868, with internal and published modifications).

CSER _CC_NCGL, University of Washington
Classification: Likely benign for Cardiomyopathy, hypertrophic. Last evaluated: 2014-06-01. Review status: no assertion criteria provided. Collection method: research. Allele origin: germline. Inheritance: Autosomal dominant inheritance. Study: ESP 6500 variant annotation. Not counted in ClinVar's aggregate classification.
Comment: Variants classified for the Actionable exomic incidental findings in 6503 participants: challenges of variant classification manuscript

Clinical Genetics, Academic Medical Center
Classification: Benign. Review status: no assertion criteria provided. Collection method: clinical testing. Allele origin: germline. Affected: yes. Study: VKGL Data-share Consensus. Not counted in ClinVar's aggregate classification.

Diagnostic Laboratory, Department of Genetics, University Medical Center Groningen
Classification: Benign for Hypertrophic cardiomyopathy 4. Review status: no assertion criteria provided. Collection method: clinical testing. Allele origin: germline. Affected: yes. Study: VKGL Data-share Consensus. Not counted in ClinVar's aggregate classification.

Joint Genome Diagnostic Labs from Nijmegen and Maastricht, Radboudumc and MUMC+
Classification: Benign. Review status: no assertion criteria provided. Collection method: clinical testing. Allele origin: germline. Affected: yes. Study: VKGL Data-share Consensus. Not counted in ClinVar's aggregate classification.

Literature cited by the submitters: PubMed 12628722 (cited by Women's Health and Genetics/Laboratory Corporation of America, LabCorp); PubMed 12386147 (cited by Women's Health and Genetics/Laboratory Corporation of America, LabCorp); PubMed 19150014 (cited by Women's Health and Genetics/Laboratory Corporation of America, LabCorp); PubMed 12818575 (cited by Women's Health and Genetics/Laboratory Corporation of America, LabCorp and Laboratory for Molecular Medicine, Mass General Brigham Personalized Medicine); PubMed 16651346 (cited by Women's Health and Genetics/Laboratory Corporation of America, LabCorp); PubMed 18761664 (cited by Women's Health and Genetics/Laboratory Corporation of America, LabCorp); PubMed 15114369 (cited by Women's Health and Genetics/Laboratory Corporation of America, LabCorp); PubMed 10521296 (cited by Women's Health and Genetics/Laboratory Corporation of America, LabCorp and Laboratory for Molecular Medicine, Mass General Brigham Personalized Medicine); PubMed 16858239 (cited by Women's Health and Genetics/Laboratory Corporation of America, LabCorp); PubMed 18403758 (cited by Women's Health and Genetics/Laboratory Corporation of America, LabCorp); PubMed 12707239 (cited by Women's Health and Genetics/Laboratory Corporation of America, LabCorp); PubMed 12110947 (cited by Women's Health and Genetics/Laboratory Corporation of America, LabCorp and Laboratory for Molecular Medicine, Mass General Brigham Personalized Medicine); PubMed 15519027 (cited by Women's Health and Genetics/Laboratory Corporation of America, LabCorp); PubMed 15115610 (cited by Women's Health and Genetics/Laboratory Corporation of America, LabCorp); PubMed 15010274 (cited by Women's Health and Genetics/Laboratory Corporation of America, LabCorp and Laboratory for Molecular Medicine, Mass General Brigham Personalized Medicine); PubMed 12566107 (cited by Women's Health and Genetics/Laboratory Corporation of America, LabCorp); PubMed 12951062 (cited by Women's Health and Genetics/Laboratory Corporation of America, LabCorp); PubMed 19035361 (cited by Women's Health and Genetics/Laboratory Corporation of America, LabCorp); PubMed 25078086 (cited by Laboratory for Molecular Medicine, Mass General Brigham Personalized Medicine); PubMed 21472310 (cited by Laboratory for Molecular Medicine, Mass General Brigham Personalized Medicine); PubMed 22857948 (cited by Laboratory for Molecular Medicine, Mass General Brigham Personalized Medicine); PubMed 25447171 (cited by Laboratory for Molecular Medicine, Mass General Brigham Personalized Medicine).